The following is an entry in ClinVar:

ClinVar aggregate classification (germline): Pathogenic. Review status: criteria provided, multiple submitters, no conflicts (2 of 4 stars). 2 submissions from 2 submitters: Pathogenic (2). Last evaluated 2025-09-02.

Conditions:
Hereditary breast ovarian cancer syndrome. Also called: BRCA1- and BRCA2-Associated Hereditary Breast and Ovarian Cancer; Hereditary breast and ovarian cancer syndrome; Hereditary breast and ovarian cancer syndrome (HBOC); Hereditary breast and/or ovarian cancer syndrome; Breast and ovarian cancer; Hereditary breast and ovarian cancer. Identifiers: Orphanet 145, MedGen C0677776, MeSH D061325, MONDO:0003582. Disease mechanism: loss of function.
Familial cancer of breast. Also called: hereditary breast carcinoma; Hereditary breast cancer; BREAST CANCER, FAMILIAL. Identifiers: Orphanet 227535, MedGen C0346153, MONDO:0016419, OMIM 114480. Disease mechanism: loss of function.

Submissions (2):

Women's Health and Genetics/Laboratory Corporation of America, LabCorp
Classification: Pathogenic for Hereditary breast ovarian cancer syndrome. Last evaluated: 2025-09-02. Review status: criteria provided, single submitter. Criteria: LabCorp Variant Classification Summary - May 2015. Collection method: clinical testing. Allele origin: germline.
Comment: Variant summary: PALB2 c.2576_2577delCA (p.Ser859X) results in a premature termination codon, predicted to cause a truncation of the encoded protein or absence of the protein due to nonsense mediated decay, which are commonly known mechanisms for disease. The variant was absent in 251152 control chromosomes. To our knowledge, no occurrence of c.2576_2577delCA in individuals affected with PALB2-related conditions and no experimental evidence demonstrating its impact on protein function have been reported. ClinVar contains an entry for this variant (Variation ID: 2743148). Based on the evidence outlined above, the variant was classified as pathogenic.

Labcorp Genetics (formerly Invitae), Labcorp
Classification: Pathogenic for Familial cancer of breast. Last evaluated: 2023-05-23. Review status: criteria provided, single submitter. Criteria: Invitae Variant Classification Sherloc (09022015). Collection method: clinical testing. Allele origin: germline.
Comment: This sequence change creates a premature translational stop signal (p.Ser859*) in the PALB2 gene. It is expected to result in an absent or disrupted protein product. Loss-of-function variants in PALB2 are known to be pathogenic (PMID: 17200668, 17200671, 17200672, 24136930, 25099575). This variant is not present in population databases (gnomAD no frequency). This premature translational stop signal has been observed in individual(s) with colorectal cancer (PMID: 29478780). For these reasons, this variant has been classified as Pathogenic.

Literature cited by the submitters: PubMed 17200668 (cited by Labcorp Genetics (formerly Invitae), Labcorp); PubMed 17200671 (cited by Labcorp Genetics (formerly Invitae), Labcorp); PubMed 17200672 (cited by Labcorp Genetics (formerly Invitae), Labcorp); PubMed 24136930 (cited by Labcorp Genetics (formerly Invitae), Labcorp); PubMed 25099575 (cited by Labcorp Genetics (formerly Invitae), Labcorp); PubMed 29478780 (cited by Labcorp Genetics (formerly Invitae), Labcorp).

NM_024675.4(PALB2):c.2576_2577del (p.Val858_Ser859insTer)

Gene: PALB2 (partner and localizer of BRCA2; minus strand). Cytogenetic location: 16p12.2.
Variant type: Deletion.
Coding change: c.2576_2577del on transcript NM_024675.4 (MANE Select); coding-DNA positions 2576 to 2577, 2 bases deleted (CA; older notation c.2576_2577delCA).
Protein change: p.Val858_Ser859insTer.
Molecular consequence: nonsense. On other transcripts: intron variant (1).
Genome position (GRCh38, 1-based): chr16:23,629,213-23,629,214, TG deleted on the plus strand (CA on the coding strand, the reverse complement: PALB2 is on the minus strand). VCF-style (leftmost placement, unchanged base first): chr16-23629212-CTG-C. GRCh37 (hg19) VCF-style: chr16-23640533-CTG-C.
Other names: c.2516_2517del, p.Val838_Ser839insTer (NM_001407296.1); c.2576_2577del, p.Val858_Ser859insTer (NM_001407298.1, NM_001407299.1, NM_001407300.1 and 2 more transcripts); c.1691_1692del, p.Val563_Ser564insTer (NM_001407304.1, NM_001407305.1, NM_001407306.1 and 5 more transcripts); c.788_789del, p.Val262_Ser263insTer (NM_001407312.1, NM_001407313.1); c.110_111del, p.Val36_Ser37insTer (NM_001407314.1); c.2514+426_2514+427del (NM_001407297.1); c.2576_2577delCA (NM_024675.4).
Identifiers: ClinVar variation 2743148 (VCV002743148.4), dbSNP rs2506395721, ClinGen allele CA2697555718.